The following is an entry in ClinVar:

NM_001291415.2(KDM6A):c.3592C>G (p.His1198Asp)

Gene: KDM6A (lysine demethylase 6A; plus strand). Cytogenetic location: Xp11.3.
Variant type: single nucleotide variant.
Coding change: c.3592C>G on transcript NM_001291415.2 (MANE Select); coding-DNA position 3592, C replaced by G.
Protein change: p.His1198Asp; replaces histidine 1198 with aspartic acid.
Molecular consequence: missense variant. On other transcripts: non-coding transcript variant (1).
Genome position (GRCh38, 1-based): chrX:45,085,867, C>G. VCF-style: chrX-45085867-C-G. GRCh37 (hg19) VCF-style: chrX-44945112-C-G.
Other names: c.3457C>G, p.His1153Asp (NM_001291416.2, NM_001419811.1); c.3301C>G, p.His1101Asp (NM_001291417.2); c.3199C>G, p.His1067Asp (NM_001291418.2, NM_001419815.1); c.2548C>G, p.His850Asp (NM_001291421.2); c.3334C>G, p.His1112Asp (NM_001410742.1, NM_001419814.1); c.3592C>G, p.His1198Asp (NM_001419809.1); c.3490C>G, p.His1164Asp (NM_001419810.1, NM_001419813.1); c.3436C>G, p.His1146Asp (NM_001419812.1, NM_021140.4); short protein forms H1067D, H1101D, H1112D, H1146D, H1153D, H1164D, H1198D, H850D.
Identifiers: ClinVar variation 2577688 (VCV002577688.1), dbSNP rs2523281621, ClinGen allele CA412804926.
Genomic context (GRCh38, chrX:45,085,867, plus strand): 5'-CCGTGTGCTAACCAATTGCACCACTGGAGCTCCAATTTTTTTTCTTTTCACATTTCAGGT[C>G]ATCAGGAAAATAACAACTTCTGTTCAGTTAACATAAATATTGGCCCAGGTGACTGTGAAT-3'
Protein context (NP_001278344.1, residues 1188-1208): MKVPGSRTPG[His1198Asp]QENNNFCSVN

ClinVar aggregate classification (germline): Uncertain significance (1 of 4 stars; one submission).

Submission:

GeneDx
Classification: Uncertain significance. Last evaluated: 2023-02-23. Review status: criteria provided, single submitter. Criteria: GeneDx Variant Classification Process June 2021. Collection method: clinical testing. Allele origin: germline. Affected: yes.
Comment: Not observed at significant frequency in large population cohorts (gnomAD); In silico analysis supports that this missense variant has a deleterious effect on protein structure/function; Has not been previously published as pathogenic or benign to our knowledge